The following is an entry in ClinVar:

ClinVar aggregate classification (germline): Uncertain significance (1 of 4 stars; one submission).

gnomAD v4.1: 1 of 1,612,308 alleles (0.000062%); highest among the groups gnomAD compares: Non-Finnish European, 0.000085%; no homozygotes.

Submission:

Women's Health and Genetics/Laboratory Corporation of America, LabCorp
Classification: Uncertain significance. Last evaluated: 2026-04-10. Review status: criteria provided, single submitter. Criteria: LabCorp Variant Classification Summary - May 2015. Collection method: clinical testing. Allele origin: germline.
Comment: Variant summary: KCNMA1 c.1860-9T>G alters a conserved nucleotide located at a position not widely known to affect splicing. Several computational tools predict a significant impact on normal splicing: Two predict the variant weakens a canonical 3' acceptor site and one predicts the variant abolishes this site. One predicts the variant has no significant impact on splicing. However, these predictions have yet to be confirmed by functional studies. The frequency data for this variant in gnomAD is considered unreliable, as metrics indicate poor data quality at this position. To our knowledge, no occurrence of c.1860-9T>G in individuals affected with KCNMA1-related conditions and no experimental evidence demonstrating its impact on protein function have been reported. No submitters have cited clinical-significance assessments for this variant to ClinVar. Based on the evidence outlined above, the variant was classified as uncertain significance.

NM_001161352.2(KCNMA1):c.1860-9T>G

Gene: KCNMA1 (potassium calcium-activated channel subfamily M alpha 1; minus strand). Cytogenetic location: 10q22.3.
Variant type: single nucleotide variant.
Coding change: c.1860-9T>G on transcript NM_001161352.2 (MANE Select); 9 bases into the intron before coding-DNA position 1860, T replaced by G.
Molecular consequence: intron variant.
Genome position (GRCh38, 1-based): chr10:77,027,900, A>C on the plus strand (T>G on the coding strand, the complement: KCNMA1 is on the minus strand). VCF-style: chr10-77027900-A-C. GRCh37 (hg19) VCF-style: chr10-78787658-A-C.
Other names: c.1698-9T>G (NM_001271518.2); c.1860-9T>G (NM_001322832.2, NM_001410940.1, NM_001437423.1 and 9 more transcripts); c.1320-9T>G (NM_001322838.2); c.1992-9T>G (NM_001437422.1).
Identifiers: ClinVar variation 4848691 (VCV004848691.1).